The following is an entry in ClinVar:

ClinVar aggregate classification (germline): Uncertain significance (1 of 4 stars; one submission).

Allele frequency attached by ClinVar (database versions not stated): gnomAD exomes 0.00001.
gnomAD v4.1: 3 of 1,611,614 alleles (0.00019%); highest among the groups gnomAD compares: Admixed American, 0.0017%; no homozygotes.

Submission:

Labcorp Genetics (formerly Invitae), Labcorp
Classification: Uncertain significance. Last evaluated: 2022-08-09. Review status: criteria provided, single submitter. Criteria: Invitae Variant Classification Sherloc (09022015). Collection method: clinical testing. Allele origin: germline.
Comment: This sequence change replaces aspartic acid, which is acidic and polar, with alanine, which is neutral and non-polar, at codon 326 of the RXYLT1 protein (p.Asp326Ala). This variant is not present in population databases (gnomAD no frequency). This variant has not been reported in the literature in individuals affected with RXYLT1-related conditions. Algorithms developed to predict the effect of missense changes on protein structure and function are either unavailable or do not agree on the potential impact of this missense change (SIFT: "Tolerated"; PolyPhen-2: "Probably Damaging"; Align-GVGD: "Class C0"). In summary, the available evidence is currently insufficient to determine the role of this variant in disease. Therefore, it has been classified as a Variant of Uncertain Significance.

NM_014254.3(RXYLT1):c.977A>C (p.Asp326Ala)

Gene: RXYLT1 (ribitol xylosyltransferase 1; plus strand). Cytogenetic location: 12q14.2.
Variant type: single nucleotide variant.
Coding change: c.977A>C on transcript NM_014254.3 (MANE Select); coding-DNA position 977, A replaced by C.
Protein change: p.Asp326Ala; replaces aspartic acid 326 with alanine.
Molecular consequence: missense variant.
Genome position (GRCh38, 1-based): chr12:63,808,737, A>C. VCF-style: chr12-63808737-A-C. GRCh37 (hg19) VCF-style: chr12-64202517-A-C.
Other names: c.197A>C, p.Asp66Ala (NM_001278237.2); short protein forms D326A, D66A.
Identifiers: ClinVar variation 2192681 (VCV002192681.1), dbSNP rs2500533358, ClinGen allele CA385659918.